The following is an entry in ClinVar:

ClinVar aggregate classification (germline): Likely pathogenic (1 of 4 stars; one submission).

Conditions:
Generalized epilepsy with febrile seizures plus, type 9 (GEFSP9). Also called: GEFS+, TYPE 9. Identifiers: Orphanet 36387, MedGen C4015395, MONDO:0014517, OMIM 616172.

Submission:

Labcorp Genetics (formerly Invitae), Labcorp
Classification: Likely pathogenic for Generalized epilepsy with febrile seizures plus, type 9. Last evaluated: 2025-03-12. Review status: criteria provided, single submitter. Criteria: Invitae Variant Classification Sherloc (09022015). Collection method: clinical testing. Allele origin: germline.
Comment: This sequence change replaces glutamic acid, which is acidic and polar, with lysine, which is basic and polar, at codon 7 of the STX1B protein (p.Glu7Lys). This variant is not present in population databases (gnomAD no frequency). This missense change has been observed in individual(s) with clinical features of STX1B-related conditions (internal data). In at least one individual the variant was observed to be de novo. An algorithm developed to predict the effect of missense changes on protein structure and function (PolyPhen-2) suggests that this variant is likely to be disruptive. In summary, the currently available evidence indicates that the variant is pathogenic, but additional data are needed to prove that conclusively. Therefore, this variant has been classified as Likely Pathogenic.

NM_052874.5(STX1B):c.19G>A (p.Glu7Lys)

Gene: STX1B (syntaxin 1B; minus strand). Cytogenetic location: 16p11.2.
Variant type: single nucleotide variant.
Coding change: c.19G>A on transcript NM_052874.5 (MANE Select); coding-DNA position 19, G replaced by A.
Protein change: p.Glu7Lys; replaces glutamic acid 7 with lysine.
Molecular consequence: missense variant.
Genome position (GRCh38, 1-based): chr16:31,010,378, C>T on the plus strand (G>A on the coding strand, the complement: STX1B is on the minus strand). VCF-style: chr16-31010378-C-T. GRCh37 (hg19) VCF-style: chr16-31021699-C-T.
Other names: short protein forms E7K.
Identifiers: ClinVar variation 3729097 (VCV003729097.2).